The following is an entry in ClinVar:

ClinVar aggregate classification (germline): Likely benign. Review status: criteria provided, single submitter (1 of 4 stars). 2 submissions from 2 submitters: Likely benign (1). 1 of the submissions does not count toward it. Last evaluated 2024-05-22.

Conditions:
Isolated microphthalmia 8. Identifiers: Orphanet 2542, MedGen C3554524, MONDO:0014050, OMIM 615113.
ALDH1A3-related disorder. Also called: ALDH1A3-related condition.

Allele frequency attached by ClinVar (database versions not stated): ExAC 0.00036; 1000 Genomes Project 30x 0.00094; 1000 Genomes Project 0.00100; gnomAD 0.00111 and 0.00122; TOPMed 0.00133; ESP Exome Variant Server 0.00154.
gnomAD v4.1: 322 of 1,613,388 alleles (0.02%); highest among the groups gnomAD compares: African/African-American, 0.39%; no homozygotes.

Submissions (2):

Labcorp Genetics (formerly Invitae), Labcorp
Classification: Likely benign for Isolated microphthalmia 8. Last evaluated: 2024-05-22. Review status: criteria provided, single submitter. Criteria: Invitae Variant Classification Sherloc (09022015). Collection method: clinical testing. Allele origin: germline.

PreventionGenetics, part of Exact Sciences
Classification: Likely benign for ALDH1A3-related condition. Last evaluated: 2023-09-11. Review status: no assertion criteria provided. Collection method: clinical testing. Allele origin: germline. Not counted in ClinVar's aggregate classification.
Comment: This variant is classified as likely benign based on ACMG/AMP sequence variant interpretation guidelines (Richards et al. 2015 PMID: 25741868, with internal and published modifications).

NM_000693.4(ALDH1A3):c.123C>G (p.His41Gln)

Gene: ALDH1A3 (aldehyde dehydrogenase 1 family member A3; plus strand). Cytogenetic location: 15q26.3.
Variant type: single nucleotide variant.
Coding change: c.123C>G on transcript NM_000693.4 (MANE Select); coding-DNA position 123, C replaced by G.
Protein change: p.His41Gln; replaces histidine 41 with glutamine.
Molecular consequence: missense variant.
Genome position (GRCh38, 1-based): chr15:100,885,290, C>G. VCF-style: chr15-100885290-C-G. GRCh37 (hg19) VCF-style: chr15-101425495-C-G.
Other names: c.123C>G, p.His41Gln (NM_001293815.2); short protein forms H41Q.
Identifiers: ClinVar variation 772098 (VCV000772098.11), dbSNP rs2229182, ClinGen allele CA7759988.